The following is an entry in ClinVar:

NM_000484.4(APP):c.1090+5G>A

Gene: APP (amyloid beta precursor protein; minus strand). Cytogenetic location: 21q21.3.
Variant type: single nucleotide variant.
Coding change: c.1090+5G>A on transcript NM_000484.4 (MANE Select); 5 bases into the intron after coding-DNA position 1090, G replaced by A.
Molecular consequence: intron variant.
Genome position (GRCh38, 1-based): chr21:25,997,355, C>T on the plus strand (G>A on the coding strand, the complement: APP is on the minus strand). VCF-style: chr21-25997355-C-T. GRCh37 (hg19) VCF-style: chr21-27369670-C-T.
Other names: c.761-14878G>A (NM_001136131.3); c.698-14878G>A (NM_001136129.3); c.922+5G>A (NM_001136130.3, NM_001385253.1); c.866-14878G>A (NM_001204303.2, NM_201414.3); c.1033+2660G>A (NM_001204302.2, NM_201413.3); c.1090+5G>A (NM_001204301.2); c.1018+2660G>A (NM_001136016.3).
Identifiers: ClinVar variation 2069813 (VCV002069813.5), dbSNP rs201116483, ClinGen allele CA319136554.

ClinVar aggregate classification (germline): Uncertain significance (1 of 4 stars; one submission).

Conditions:
Alzheimer disease. Also called: Presenile and senile dementia; Alzheimer's disease. Identifiers: Orphanet 1020, MedGen C0002395, MeSH D000544, MONDO:0004975, HP:0002511.

Allele frequency attached by ClinVar (database versions not stated): gnomAD 0.00001; TOPMed 0.00001.
gnomAD v4.1: 14 of 1,613,212 alleles (0.00087%); highest among the groups gnomAD compares: Admixed American, 0.005%; no homozygotes.

Submissions (2):

Labcorp Genetics (formerly Invitae), Labcorp
Classification: Uncertain significance for Alzheimer disease. Last evaluated: 2022-08-23. Review status: criteria provided, single submitter. Criteria: Invitae Variant Classification Sherloc (09022015). Collection method: clinical testing. Allele origin: germline.
Comment: In summary, the available evidence is currently insufficient to determine the role of this variant in disease. Therefore, it has been classified as a Variant of Uncertain Significance. Variants that disrupt the consensus splice site are a relatively common cause of aberrant splicing (PMID: 17576681, 9536098). Algorithms developed to predict the effect of sequence changes on RNA splicing suggest that this variant may disrupt the consensus splice site. This variant has not been reported in the literature in individuals affected with APP-related conditions. The frequency data for this variant in the population databases is considered unreliable, as metrics indicate poor data quality at this position in the gnomAD database. This sequence change falls in intron 8 of the APP gene. It does not directly change the encoded amino acid sequence of the APP protein. It affects a nucleotide within the consensus splice site.

Dr. Peter K. Rogan Lab, Western University
No classification provided (evidence only). Condition: Uterine corpus endometrial carcinoma. Review status: no classification provided. Collection method: in vitro. Allele origin: not applicable. Functional consequence: retained intron. Not counted in ClinVar's aggregate classification.

Literature cited by the submitters: PubMed 17576681 (cited by Labcorp Genetics (formerly Invitae), Labcorp); PubMed 9536098 (cited by Labcorp Genetics (formerly Invitae), Labcorp).